The following is an entry in ClinVar:

NM_001353214.3(DYM):c.980C>A (p.Ala327Asp)

Gene: DYM (dymeclin; minus strand). Cytogenetic location: 18q21.1.
Variant type: single nucleotide variant.
Coding change: c.980C>A on transcript NM_001353214.3 (MANE Select); coding-DNA position 980, C replaced by A.
Protein change: p.Ala327Asp; replaces alanine 327 with aspartic acid.
Molecular consequence: missense variant.
Genome position (GRCh38, 1-based): chr18:49,282,142, G>T on the plus strand (C>A on the coding strand, the complement: DYM is on the minus strand). VCF-style: chr18-49282142-G-T. GRCh37 (hg19) VCF-style: chr18-46808512-G-T.
Other names: c.977C>A, p.Ala326Asp (NM_001353210.3, NM_001353211.3, NM_001353212.3 and 3 more transcripts); c.980C>A, p.Ala327Asp (NM_001353215.3, NM_001353216.3, NM_001374428.1 and 5 more transcripts); c.974C>A, p.Ala325Asp (NM_001374429.1, NM_001374439.1); c.854C>A, p.Ala285Asp (NM_001374432.1, NM_001374436.1); c.797C>A, p.Ala266Asp (NM_001374437.1); c.752C>A, p.Ala251Asp (NM_001374440.1); c.410C>A, p.Ala137Asp (NM_001374441.1, NM_001374442.1, NM_001374444.1); c.407C>A, p.Ala136Asp (NM_001374443.1); short protein forms A327D, A326D, A136D, A137D, A251D, A266D, A285D, A325D.
Identifiers: ClinVar variation 326898 (VCV000326898.9), dbSNP rs147724274, ClinGen allele CA8958183.
Genomic context (GRCh38, chr18:49,282,142, plus strand): 5'-TGATCAGATGTCTGCTGTTCACAAAGAGCTGTGTACAAACTATTAAAGTTGATCTGGAAG[G>T]CATGTGGAATTGATGAGGGGAAAGGACTGCTATCTGGAATACAGAAAACAGCACATCAGT-3'
Protein context (NP_001340143.1, residues 317-337): SSPFPSSIPH[Ala327Asp]FQINFNSLYT

ClinVar aggregate classification (germline): Uncertain significance. Review status: criteria provided, multiple submitters, no conflicts (2 of 4 stars). 3 submissions from 3 submitters: Uncertain significance (3). Last evaluated 2024-11-19.

Conditions:
Inborn genetic diseases. Identifiers: MedGen C0950123, MeSH D030342.

Allele frequency attached by ClinVar (database versions not stated): ESP Exome Variant Server 0.00015; 1000 Genomes Project 30x 0.00016; 1000 Genomes Project 0.00020; ExAC 0.00034; gnomAD exomes 0.00041 and 0.00044; gnomAD 0.00043 and 0.00044; TOPMed 0.00045.
gnomAD v4.1: 702 of 1,613,972 alleles (0.043%); highest among the groups gnomAD compares: Non-Finnish European, 0.046%; 1 homozygote.

Submissions (3):

Blueprint Genetics
Classification: Uncertain significance. Last evaluated: 2024-11-19. Review status: criteria provided, single submitter. Criteria: ACMG Guidelines, 2015. Collection method: clinical testing. Allele origin: germline.

Labcorp Genetics (formerly Invitae), Labcorp
Classification: Uncertain significance. Last evaluated: 2022-10-17. Review status: criteria provided, single submitter. Criteria: Invitae Variant Classification Sherloc (09022015). Collection method: clinical testing. Allele origin: germline.
Comment: This sequence change replaces alanine, which is neutral and non-polar, with aspartic acid, which is acidic and polar, at codon 327 of the DYM protein (p.Ala327Asp). This variant is present in population databases (rs147724274, gnomAD 0.08%), and has an allele count higher than expected for a pathogenic variant. This variant has not been reported in the literature in individuals affected with DYM-related conditions. ClinVar contains an entry for this variant (Variation ID: 326898). Advanced modeling of protein sequence and biophysical properties (such as structural, functional, and spatial information, amino acid conservation, physicochemical variation, residue mobility, and thermodynamic stability) performed at Invitae indicates that this missense variant is not expected to disrupt DYM protein function. In summary, the available evidence is currently insufficient to determine the role of this variant in disease. Therefore, it has been classified as a Variant of Uncertain Significance.

Ambry Genetics
Classification: Uncertain significance for Inborn genetic diseases. Last evaluated: 2022-08-31. Review status: criteria provided, single submitter. Criteria: Ambry Variant Classification Scheme 2023. Collection method: clinical testing. Allele origin: germline.